The following is an entry in ClinVar:

NM_001142800.2(EYS):c.600C>T (p.Cys200=)

Gene: EYS (EGF-like photoreceptor maintenance factor; minus strand). Cytogenetic location: 6q12.
Variant type: single nucleotide variant.
Coding change: c.600C>T on transcript NM_001142800.2 (MANE Select); coding-DNA position 600, C replaced by T.
Protein change: p.Cys200=; no amino-acid change (cysteine 200 retained).
Molecular consequence: synonymous variant.
Genome position (GRCh38, 1-based): chr6:65,494,811, G>A on the plus strand (C>T on the coding strand, the complement: EYS is on the minus strand). VCF-style: chr6-65494811-G-A. GRCh37 (hg19) VCF-style: chr6-66204704-G-A.
Other names: c.600C>T, p.Cys200= (NM_001142801.2, NM_001292009.2, NM_198283.2).
Identifiers: ClinVar variation 799604 (VCV000799604.10), dbSNP rs145581501, ClinGen allele CA3878049.

ClinVar aggregate classification (germline): Likely benign. Review status: criteria provided, multiple submitters, no conflicts (2 of 4 stars). 3 submissions from 3 submitters: Likely benign (2). 1 of the submissions does not count toward it. Last evaluated 2026-01-21.

Conditions:
EYS-related disorder. Also called: EYS-related condition.
Retinitis pigmentosa 25 (RP25). Identifiers: Orphanet 791, MedGen C1864446, MONDO:0011272, OMIM 602772.

Allele frequency attached by ClinVar (database versions not stated): ExAC 0.00001; gnomAD 0.00002; gnomAD exomes 0.00002; TOPMed 0.00002; ESP Exome Variant Server 0.00008.
gnomAD v4.1: 32 of 1,613,904 alleles (0.002%); highest among the groups gnomAD compares: Non-Finnish European, 0.0027%; no homozygotes.

Submissions (3):

PreventionGenetics, part of Exact Sciences
Classification: Likely benign for EYS-related condition. Last evaluated: 2026-01-21. Review status: criteria provided, single submitter. Criteria: ACMG Guidelines, 2015. Collection method: clinical testing. Allele origin: germline.
Comment: This variant is classified as likely benign based on ACMG/AMP sequence variant interpretation guidelines (Richards et al. 2015 PMID: 25741868, with internal and published modifications).

Labcorp Genetics (formerly Invitae), Labcorp
Classification: Likely benign. Last evaluated: 2025-10-13. Review status: criteria provided, single submitter. Criteria: Invitae Variant Classification Sherloc (09022015). Collection method: clinical testing. Allele origin: germline.

Natera, Inc.
Classification: Uncertain significance for Retinitis pigmentosa type 25. Last evaluated: 2020-01-24. Review status: no assertion criteria provided. Collection method: clinical testing. Allele origin: germline. Not counted in ClinVar's aggregate classification.